The following is an entry in ClinVar:

ClinVar aggregate classification (germline): Uncertain significance (1 of 4 stars; one submission).

Conditions:
Skeletal overgrowth-craniofacial dysmorphism-hyperelastic skin-white matter lesions syndrome. Also called: SKELETAL OVERGROWTH WITH FACIAL DYSMORPHISM, HYPERELASTIC SKIN, WHITE MATTER LESIONS, AND NEUROLOGIC DETERIORATION; Kosaki overgrowth syndrome. Identifiers: Orphanet 477831, MedGen C4225270, MONDO:0014704, OMIM 616592.
Infantile myofibromatosis (IMF). Also called: Congenital generalized fibromatosis. Identifiers: Orphanet 2591, MedGen C0432284, MONDO:0016824.
Basal ganglia calcification, idiopathic, 4 (PFBC4). Also called: Familial Idiopathic Basal Ganglia Calcification 4; PRIMARY FAMILIAL BRAIN CALCIFICATION 4, AUTOSOMAL DOMINANT. Identifiers: Orphanet 1980, MedGen C3554321, MONDO:0014004, OMIM 615007.
Acroosteolysis-keloid-like lesions-premature aging syndrome. Also called: Premature aging syndrome, Penttinen type; Prematurely aged appearance, delayed bone maturation, acro-osteolysis, and brachydactyly; Progeroid syndrome, Penttinen type. Identifiers: Orphanet 363665, MedGen C1866182, MONDO:0011150, OMIM 601812.

Submission:

Labcorp Genetics (formerly Invitae), Labcorp
Classification: Uncertain significance for Basal ganglia calcification, idiopathic, 4; Skeletal overgrowth-craniofacial dysmorphism-hyperelastic skin-white matter lesions syndrome; Infantile myofibromatosis; Acroosteolysis-keloid-like lesions-premature aging syndrome. Last evaluated: 2024-10-09. Review status: criteria provided, single submitter. Criteria: Invitae Variant Classification Sherloc (09022015). Collection method: clinical testing. Allele origin: germline.
Comment: This sequence change replaces arginine, which is basic and polar, with glutamine, which is neutral and polar, at codon 397 of the PDGFRB protein (p.Arg397Gln). This variant is present in population databases (rs751766664, gnomAD 0.003%). This variant has not been reported in the literature in individuals affected with PDGFRB-related conditions. Invitae Evidence Modeling of protein sequence and biophysical properties (such as structural, functional, and spatial information, amino acid conservation, physicochemical variation, residue mobility, and thermodynamic stability) indicates that this missense variant is not expected to disrupt PDGFRB protein function with a negative predictive value of 80%. In summary, the available evidence is currently insufficient to determine the role of this variant in disease. Therefore, it has been classified as a Variant of Uncertain Significance.

NM_002609.4(PDGFRB):c.1190G>A (p.Arg397Gln)

Gene: PDGFRB (platelet derived growth factor receptor beta; minus strand). Cytogenetic location: 5q32.
Variant type: single nucleotide variant.
Coding change: c.1190G>A on transcript NM_002609.4 (MANE Select); coding-DNA position 1190, G replaced by A.
Protein change: p.Arg397Gln; replaces arginine 397 with glutamine.
Molecular consequence: missense variant.
Genome position (GRCh38, 1-based): chr5:150,132,032, C>T on the plus strand (G>A on the coding strand, the complement: PDGFRB is on the minus strand). VCF-style: chr5-150132032-C-T. GRCh37 (hg19) VCF-style: chr5-149511595-C-T.
Other names: c.998G>A, p.Arg333Gln (NM_001355016.2); c.707G>A, p.Arg236Gln (NM_001355017.2); short protein forms R236Q, R333Q, R397Q.
Identifiers: ClinVar variation 3760629 (VCV003760629.2).